The following is an entry in ClinVar:

NM_006084.5(IRF9):c.578T>A (p.Val193Asp)

Gene: IRF9 (interferon regulatory factor 9; plus strand). Cytogenetic location: 14q12.
Variant type: single nucleotide variant.
Coding change: c.578T>A on transcript NM_006084.5 (MANE Select); coding-DNA position 578, T replaced by A.
Protein change: p.Val193Asp; replaces valine 193 with aspartic acid.
Molecular consequence: missense variant.
Genome position (GRCh38, 1-based): chr14:24,164,063, T>A. VCF-style: chr14-24164063-T-A. GRCh37 (hg19) VCF-style: chr14-24633272-T-A.
Other names: c.578T>A, p.Val193Asp (NM_001385400.1, NM_001385401.1, NM_001385402.1); short protein forms V193D.
Identifiers: ClinVar variation 2090881 (VCV002090881.4), dbSNP rs375398359, ClinGen allele CA7126500.
Genomic context (GRCh38, chr14:24,164,063, plus strand): 5'-CTCTGGCCCAAGACTCCCCAGTCCCACTCTGAATGACCAGTGCCTTTGCTTCCCTTCCAG[T>A]TACAGACACAACTGAGGCCCCCTTTCAAGGGGATCAGAGGTCCCTGGAGTTTCTGCTTCC-3'
Protein context (NP_006075.3, residues 183-203): SSSSSPEPQE[Val193Asp]TDTTEAPFQG

ClinVar aggregate classification (germline): Uncertain significance (1 of 4 stars; one submission).

Allele frequency attached by ClinVar (database versions not stated): gnomAD 0.00001; TOPMed 0.00001; ExAC 0.00002; ESP Exome Variant Server 0.00008.
gnomAD v4.1: 18 of 1,613,966 alleles (0.0011%); highest among the groups gnomAD compares: Non-Finnish European, 0.0014%; no homozygotes.

Submission:

Labcorp Genetics (formerly Invitae), Labcorp
Classification: Uncertain significance. Last evaluated: 2023-12-19. Review status: criteria provided, single submitter. Criteria: Invitae Variant Classification Sherloc (09022015). Collection method: clinical testing. Allele origin: germline.
Comment: This sequence change replaces valine, which is neutral and non-polar, with aspartic acid, which is acidic and polar, at codon 193 of the IRF9 protein (p.Val193Asp). This variant is present in population databases (rs375398359, gnomAD 0.002%). This variant has not been reported in the literature in individuals affected with IRF9-related conditions. ClinVar contains an entry for this variant (Variation ID: 2090881). Algorithms developed to predict the effect of missense changes on protein structure and function output the following: SIFT: "Not Available"; PolyPhen-2: "Benign"; Align-GVGD: "Not Available". The aspartic acid amino acid residue is found in multiple mammalian species, which suggests that this missense change does not adversely affect protein function. In summary, the available evidence is currently insufficient to determine the role of this variant in disease. Therefore, it has been classified as a Variant of Uncertain Significance.